The following is an entry in ClinVar:

ClinVar aggregate classification (germline): Likely pathogenic. Review status: criteria provided, multiple submitters, no conflicts (2 of 4 stars). 2 submissions from 2 submitters: Likely pathogenic (2). Last evaluated 2025-06-18.

Conditions:
Osteogenesis imperfecta type III (OI3). Also called: Osteogenesis imperfecta type 3; OI type 3; Osteogenesis imperfecta, progressively deforming with normal sclerae; OI type III; Progressively Deforming Osteogenesis Imperfecta. Identifiers: Orphanet 216812, Orphanet 666, MedGen C0268362, MONDO:0009804, OMIM 259420.
Osteogenesis imperfecta type I (OI1). Also called: OI, TYPE I; OSTEOGENESIS IMPERFECTA TARDA; OSTEOGENESIS IMPERFECTA WITH BLUE SCLERAE; Osteogenesis imperfecta type 1; Lobstein disease; Classic Non-deforming Osteogenesis Imperfecta with Blue Sclerae. Identifiers: Orphanet 216796, Orphanet 666, MedGen C0023931, MONDO:0008146, OMIM 166200. Disease mechanism: loss of function.

Submissions (2):

Clinical Biomedical Laboratory, Shriners Hospital For Children - Canada
Classification: Likely pathogenic for Osteogenesis imperfecta type III. Last evaluated: 2025-06-18. Review status: criteria provided, single submitter. Criteria: ACMG Guidelines, 2015. Collection method: clinical testing. Allele origin: germline. Affected: yes.
Comment: This variant is predicted to substitute a tyrosine residue by a serine residue in the C-propeptide domain of the collagen type I alpha 1 chain. This variant is absent from the Genome Aggregation Database (v.2.1.1), indicating it is rare. Prediction algorithms (Revel 0.954) indicate that the change is detrimental to protein function.

Labcorp Genetics (formerly Invitae), Labcorp
Classification: Likely pathogenic for Osteogenesis imperfecta type I. Last evaluated: 2020-11-25. Review status: criteria provided, single submitter. Criteria: Invitae Variant Classification Sherloc (09022015). Collection method: clinical testing. Allele origin: germline.
Comment: This sequence change replaces tyrosine with serine at codon 1274 of the COL1A1 protein (p.Tyr1274Ser). The tyrosine residue is highly conserved and there is a large physicochemical difference between tyrosine and serine. This variant is not present in population databases (ExAC no frequency). This variant has been observed in individual(s) with clinical features of osteogenesis imperfecta (Invitae). In at least one individual the variant was observed to be de novo. ClinVar contains an entry for this variant (Variation ID: 852121). Algorithms developed to predict the effect of missense changes on protein structure and function are either unavailable or do not agree on the potential impact of this missense change (SIFT: "Deleterious"; PolyPhen-2: "Not Available"; Align-GVGD: "Class C0"). In summary, the currently available evidence indicates that the variant is pathogenic, but additional data are needed to prove that conclusively. Therefore, this variant has been classified as Likely Pathogenic.

NM_000088.4(COL1A1):c.3821A>C (p.Tyr1274Ser)

Gene: COL1A1 (collagen type I alpha 1 chain; minus strand). Cytogenetic location: 17q21.33.
Variant type: single nucleotide variant.
Coding change: c.3821A>C on transcript NM_000088.4 (MANE Select); coding-DNA position 3821, A replaced by C.
Protein change: p.Tyr1274Ser; replaces tyrosine 1274 with serine.
Molecular consequence: missense variant.
Genome position (GRCh38, 1-based): chr17:50,186,501, T>G on the plus strand (A>C on the coding strand, the complement: COL1A1 is on the minus strand). VCF-style: chr17-50186501-T-G. GRCh37 (hg19) VCF-style: chr17-48263862-T-G.
Other names: short protein forms Y1274S.
Identifiers: ClinVar variation 852121 (VCV000852121.11), dbSNP rs1906537608, ClinGen allele CA400194005.